The following is an entry in ClinVar:

Conditions:
Breast-ovarian cancer, familial, susceptibility to, 1 (BROVCA1). Also called: BRCA1 Hereditary Breast and Ovarian Cancer; OVARIAN CANCER, SUSCEPTIBILITY TO. Identifiers: Orphanet 145, MedGen C2676676, MONDO:0011450, OMIM 604370. Disease mechanism: loss of function.

Allele frequency attached by ClinVar (database versions not stated): TOPMed below 0.00001; gnomAD 0.00001.
gnomAD v4.1: 1 of 1,613,958 alleles (0.000062%); highest among the groups gnomAD compares: Non-Finnish European, 0.000085%; no homozygotes.

Submission:

Brotman Baty Institute, University of Washington
No classification provided (evidence only). Condition: Breast-ovarian cancer, familial 1. Review status: no classification provided. Collection method: in vitro. Allele origin: not applicable. Functional consequence: functionally_normal.
ClinVar note: "not provided" was previously submitted as the classification for the variant. However, the classification appeared to be based only on an observation of functional data so it was converted to no classification on 2025-07-30.

NM_007294.4(BRCA1):c.5467+21T>C

Gene: BRCA1 (BRCA1 DNA repair associated; minus strand). Cytogenetic location: 17q21.31.
Variant type: single nucleotide variant.
Coding change: c.5467+21T>C on transcript NM_007294.4 (MANE Select); 21 bases into the intron after coding-DNA position 5467, T replaced by C.
Molecular consequence: intron variant.
Genome position (GRCh38, 1-based): chr17:43,047,622, A>G on the plus strand (T>C on the coding strand, the complement: BRCA1 is on the minus strand). VCF-style: chr17-43047622-A-G. GRCh37 (hg19) VCF-style: chr17-41199639-A-G.
Other names: c.2014+21T>C (NM_001408458.1, NM_001408461.1, NM_001408464.1 and 7 more transcripts); c.4576+21T>C (NM_001407967.1); c.5086+21T>C (NM_001407959.1); c.5200+21T>C (NM_001407931.1, NM_001407932.1, NM_001407928.1 and 4 more transcripts); c.5323+21T>C (NM_001407747.1, NM_001407745.1, NM_001407737.1 and 18 more transcripts); c.5083+21T>C (NM_001407962.1, NM_001407960.1); c.1654+21T>C (NM_001408512.1); c.1777+21T>C (NM_001408510.1); and 83 more.
Identifiers: ClinVar variation 868547 (VCV000868547.3), dbSNP rs2050971311, ClinGen allele CA916080731.